The following is an entry in ClinVar:

NM_207122.2(EXT2):c.1192G>A (p.Ala398Thr)

Gene: EXT2 (exostosin glycosyltransferase 2; plus strand). Cytogenetic location: 11p11.2.
Variant type: single nucleotide variant.
Coding change: c.1192G>A on transcript NM_207122.2 (MANE Select); coding-DNA position 1192, G replaced by A.
Protein change: p.Ala398Thr; replaces alanine 398 with threonine.
Molecular consequence: missense variant. On other transcripts: intron variant (1).
Genome position (GRCh38, 1-based): chr11:44,171,629, G>A. VCF-style: chr11-44171629-G-A. GRCh37 (hg19) VCF-style: chr11-44193179-G-A.
Other names: c.1291G>A, p.Ala431Thr (NM_000401.3); c.1267-45G>A (NM_001178083.3); short protein forms A398T, A431T.
Identifiers: ClinVar variation 1054963 (VCV001054963.10), dbSNP rs2135127641, ClinGen allele CA380175116.

ClinVar aggregate classification (germline): Uncertain significance (1 of 4 stars; one submission).

Conditions:
Exostoses, multiple, type 2 (EXT2). Also called: Hereditary Multiple Osteochondromatosis, Type II; EXOSTOSES, MULTIPLE, TYPE II. Identifiers: Orphanet 321, MedGen C1851413, MONDO:0007586, OMIM 133701.

Allele frequency attached by ClinVar (database versions not stated): gnomAD exomes below 0.00001.
gnomAD v4.1: 1 of 1,614,146 alleles (0.000062%); highest among the groups gnomAD compares: Non-Finnish European, 0.000085%; no homozygotes.

Submission:

Labcorp Genetics (formerly Invitae), Labcorp
Classification: Uncertain significance for Exostoses, multiple, type 2. Last evaluated: 2020-01-20. Review status: criteria provided, single submitter. Criteria: Invitae Variant Classification Sherloc (09022015). Collection method: clinical testing. Allele origin: germline.
Comment: This sequence change replaces alanine with threonine at codon 398 of the EXT2 protein (p.Ala398Thr). The alanine residue is moderately conserved and there is a small physicochemical difference between alanine and threonine. In summary, the available evidence is currently insufficient to determine the role of this variant in disease. Therefore, it has been classified as a Variant of Uncertain Significance. Algorithms developed to predict the effect of missense changes on protein structure and function (SIFT, PolyPhen-2, Align-GVGD) all suggest that this variant is likely to be tolerated, but these predictions have not been confirmed by published functional studies and their clinical significance is uncertain. This variant has not been reported in the literature in individuals with EXT2-related conditions. This variant is not present in population databases (ExAC no frequency).